The following is an entry in ClinVar:

ClinVar aggregate classification (germline): Uncertain significance (1 of 4 stars; one submission).

Conditions:
Andersen Tawil syndrome (LQT7). Also called: Andersen Syndrome; Potassium-sensitive periodic paralysis, ventricular ectopy, and dysmorphic features; ANDERSEN CARDIODYSRHYTHMIC PERIODIC PARALYSIS; LONG QT SYNDROME 7; PERIODIC PARALYSIS, POTASSIUM-SENSITIVE CARDIODYSRHYTHMIC TYPE. Identifiers: Orphanet 37553, MedGen C1563715, MONDO:0008222, OMIM 170390.
Short QT syndrome type 3. Identifiers: Orphanet 51083, MedGen C1865018, MONDO:0012314, OMIM 609622.

Submission:

Labcorp Genetics (formerly Invitae), Labcorp
Classification: Uncertain significance for Short QT syndrome type 3; Andersen Tawil syndrome. Last evaluated: 2025-10-25. Review status: criteria provided, single submitter. Criteria: Invitae Variant Classification Sherloc (09022015). Collection method: clinical testing. Allele origin: germline.
Comment: This sequence change replaces valine, which is neutral and non-polar, with leucine, which is neutral and non-polar, at codon 329 of the KCNJ2 protein (p.Val329Leu). This variant is present in population databases (rs747299642, gnomAD 0.0009%). This variant has not been reported in the literature in individuals affected with KCNJ2-related conditions. ClinVar contains an entry for this variant (Variation ID: 3748617). Invitae Evidence Modeling of protein sequence and biophysical properties (such as structural, functional, and spatial information, amino acid conservation, physicochemical variation, residue mobility, and thermodynamic stability) indicates that this missense variant is not expected to disrupt KCNJ2 protein function with a negative predictive value of 95%. In summary, the available evidence is currently insufficient to determine the role of this variant in disease. Therefore, it has been classified as a Variant of Uncertain Significance.

NM_000891.3(KCNJ2):c.985G>C (p.Val329Leu)

Gene: KCNJ2 (potassium inwardly rectifying channel subfamily J member 2; plus strand). Cytogenetic location: 17q24.3.
Variant type: single nucleotide variant.
Coding change: c.985G>C on transcript NM_000891.3 (MANE Select); coding-DNA position 985, G replaced by C.
Protein change: p.Val329Leu; replaces valine 329 with leucine.
Molecular consequence: missense variant.
Genome position (GRCh38, 1-based): chr17:70,176,024, G>C. VCF-style: chr17-70176024-G-C. GRCh37 (hg19) VCF-style: chr17-68172165-G-C.
Other names: short protein forms V329L.
Identifiers: ClinVar variation 3748617 (VCV003748617.2).
Genomic context (GRCh38, chr17:70,176,024, plus strand): 5'-ACACAGTGCCGTAGCTCTTATCTAGCAAATGAAATCCTGTGGGGCCACCGCTATGAGCCT[G>C]TGCTCTTTGAAGAGAAGCACTACTACAAAGTGGACTATTCCAGGTTCCACAAAACTTACG-3'
Protein context (NP_000882.1, residues 319-339): EILWGHRYEP[Val329Leu]LFEEKHYYKV